The following is an entry in ClinVar:

ClinVar aggregate classification (germline): Uncertain significance (1 of 4 stars; one submission).

gnomAD v4.1: 33 of 1,578,196 alleles (0.0021%); highest among the groups gnomAD compares: African/African-American, 0.03%; no homozygotes.

Submission:

Dasa
Classification: Uncertain significance. Last evaluated: 2025-11-06. Review status: criteria provided, single submitter. Criteria: DASA Assertion Criteria. Collection method: clinical testing. Allele origin: germline.
Comment: NM_001606.5(ABCA2):c.5652G>A (p.Gly1884=) is a synonymous variant predicted not to alter the encoded amino acid sequence. This variant is rare in population databases. The currently available literature and clinical evidence are not sufficient to establish a definitive association between this variant and the reported condition. Therefore, this variant is classified as a variant of uncertain significance.

NM_001606.5(ABCA2):c.5652G>A (p.Gly1884=)

Genes: ABCA2 (ATP binding cassette subfamily A member 2; minus strand), LOC126860796 (CDK7 strongly-dependent group 2 enhancer GRCh37_chr9:139904888-139906087; plus strand). Cytogenetic location: 9q34.3.
Variant type: single nucleotide variant.
Coding change: c.5652G>A on transcript NM_001606.5 (MANE Select); coding-DNA position 5652, G replaced by A.
Protein change: p.Gly1884=; no amino-acid change (glycine 1884 retained).
Molecular consequence: synonymous variant.
Genome position (GRCh38, 1-based): chr9:137,011,554, C>T on the plus strand (G>A on the coding strand, the complement: ABCA2 is on the minus strand). VCF-style: chr9-137011554-C-T. GRCh37 (hg19) VCF-style: chr9-139906006-C-T.
Other names: c.5649G>A, p.Gly1883= (NM_001411042.1); c.5742G>A, p.Gly1914= (NM_212533.3).
Identifiers: ClinVar variation 4881538 (VCV004881538.2).
Genomic context (GRCh38, chr9:137,011,554, plus strand): 5'-GGCGGAGCTGGGGACCTCGAACCAGAAGGAGGCCGGGTACATGATGGGCGTGATGGACCA[C>T]CTGCGGGCAGGTGGCGGGCAGTGGTCACCAGGCAGCCCCGGTCCCACCTGAGGCCGCTCC-3'
Protein context (NP_001597.2, residues 1874-1894): PAVLSLFLLY[Gly1884=]WSITPIMYPA